The following is an entry in ClinVar:

NM_006859.4(LIAS):c.827C>T (p.Thr276Ile)

Gene: LIAS (lipoic acid synthetase; plus strand). Cytogenetic location: 4p14.
Variant type: single nucleotide variant.
Coding change: c.827C>T on transcript NM_006859.4 (MANE Select); coding-DNA position 827, C replaced by T.
Protein change: p.Thr276Ile; replaces threonine 276 with isoleucine.
Molecular consequence: missense variant.
Genome position (GRCh38, 1-based): chr4:39,470,108, C>T. VCF-style: chr4-39470108-C-T. GRCh37 (hg19) VCF-style: chr4-39471728-C-T.
Other names: c.698C>T, p.Thr233Ile (NM_001278590.2); c.518C>T, p.Thr173Ile (NM_001363700.2); c.827C>T, p.Thr276Ile (NM_194451.3); short protein forms T233I, T173I, T276I.
Identifiers: ClinVar variation 2091903 (VCV002091903.4), dbSNP rs2475009626, ClinGen allele CA356665314.

ClinVar aggregate classification (germline): Uncertain significance (1 of 4 stars; one submission).

Conditions:
Lipoic acid synthetase deficiency. Also called: HYPERGLYCINEMIA, LACTIC ACIDOSIS, AND SEIZURES. Identifiers: Orphanet 401859, MedGen C3280887, MONDO:0013762, OMIM 614462.

Allele frequency attached by ClinVar (database versions not stated): gnomAD exomes below 0.00001.

Submission:

Labcorp Genetics (formerly Invitae), Labcorp
Classification: Uncertain significance for Lipoic acid synthetase deficiency. Last evaluated: 2024-02-23. Review status: criteria provided, single submitter. Criteria: Invitae Variant Classification Sherloc (09022015). Collection method: clinical testing. Allele origin: germline.
Comment: This sequence change replaces threonine, which is neutral and polar, with isoleucine, which is neutral and non-polar, at codon 276 of the LIAS protein (p.Thr276Ile). This variant is not present in population databases (gnomAD no frequency). This variant has not been reported in the literature in individuals affected with LIAS-related conditions. ClinVar contains an entry for this variant (Variation ID: 2091903). Advanced modeling of protein sequence and biophysical properties (such as structural, functional, and spatial information, amino acid conservation, physicochemical variation, residue mobility, and thermodynamic stability) performed at Invitae indicates that this missense variant is expected to disrupt LIAS protein function with a positive predictive value of 80%. Algorithms developed to predict the effect of sequence changes on RNA splicing suggest that this variant may disrupt the consensus splice site. In summary, the available evidence is currently insufficient to determine the role of this variant in disease. Therefore, it has been classified as a Variant of Uncertain Significance.